The following is an entry in ClinVar:

ClinVar aggregate classification (germline): Uncertain significance (1 of 4 stars; one submission).

Submission:

GeneDx
Classification: Uncertain significance. Last evaluated: 2026-07-17. Review status: criteria provided, single submitter. Criteria: GeneDx Variant Classification Process June 2021. Collection method: clinical testing. Allele origin: germline.
Comment: In-frame deletion of 1 amino acid(s) in a non-repeat region; Not observed at significant frequency in large population cohorts (gnomAD); In silico analysis supports a deleterious effect on protein structure/function; Has not been previously published as pathogenic or benign to our knowledge

NM_032217.5(ANKRD17):c.734_736del (p.Gly245del)

Gene: ANKRD17 (ankyrin repeat domain 17; minus strand). Cytogenetic location: 4q13.3.
Variant type: Deletion.
Coding change: c.734_736del on transcript NM_032217.5 (MANE Select); coding-DNA positions 734 to 736, 3 bases deleted (GAG; older notation c.734_736delGAG).
Protein change: p.Gly245del; deletes glycine 245.
Molecular consequence: inframe deletion.
Genome position (GRCh38, 1-based): chr4:73,156,135-73,156,137, CTC deleted on the plus strand (GAG on the coding strand, the reverse complement: ANKRD17 is on the minus strand); deleting any 3 consecutive bases within chr4:73,156,135-73,156,139 gives the same sequence; the c. name uses the placement nearest the transcript's 3' end. VCF-style (leftmost placement, unchanged base first): chr4-73156134-TCTC-T. GRCh37 (hg19) VCF-style: chr4-74021851-TCTC-T.
Other names: c.395_397del, p.Gly132del (NM_001286771.3); c.734_736del, p.Gly245del (NM_015574.2, NM_198889.3); short protein forms G132del, G245del.
Identifiers: ClinVar variation 4536607 (VCV004536607.2).